The following is an entry in ClinVar:

NM_001457.4(FLNB):c.124A>G (p.Thr42Ala)

Gene: FLNB (filamin B; plus strand). Cytogenetic location: 3p14.3.
Variant type: single nucleotide variant.
Coding change: c.124A>G on transcript NM_001457.4 (MANE Select); coding-DNA position 124, A replaced by G.
Protein change: p.Thr42Ala; replaces threonine 42 with alanine.
Molecular consequence: missense variant.
Genome position (GRCh38, 1-based): chr3:58,008,688, A>G. VCF-style: chr3-58008688-A-G. GRCh37 (hg19) VCF-style: chr3-57994415-A-G.
Other names: c.124A>G, p.Thr42Ala (NM_001164317.2, NM_001164318.2, NM_001164319.2); short protein forms T42A.
Identifiers: ClinVar variation 2001794 (VCV002001794.4), dbSNP rs1198656971, ClinGen allele CA353413046.
Genomic context (GRCh38, chr3:58,008,688, plus strand): 5'-TTCACACGCTGGTGCAACGAGCACCTCAAGTGCGTGAACAAACGCATCGGCAACCTGCAG[A>G]CCGACCTGAGCGACGGGCTGCGGCTCATCGCGCTGCTCGAGGTGCTCAGCCAGAAGCGCA-3'
Protein context (NP_001448.2, residues 32-52): CVNKRIGNLQ[Thr42Ala]DLSDGLRLIA

ClinVar aggregate classification (germline): Uncertain significance (1 of 4 stars; one submission).

Allele frequency attached by ClinVar (database versions not stated): TOPMed below 0.00001; gnomAD 0.00001.
gnomAD v4.1: 1 of 1,614,042 alleles (0.000062%); highest among the groups gnomAD compares: Non-Finnish European, 0.000085%; no homozygotes.

Submission:

Labcorp Genetics (formerly Invitae), Labcorp
Classification: Uncertain significance. Last evaluated: 2024-10-24. Review status: criteria provided, single submitter. Criteria: Invitae Variant Classification Sherloc (09022015). Collection method: clinical testing. Allele origin: germline.
Comment: This sequence change replaces threonine, which is neutral and polar, with alanine, which is neutral and non-polar, at codon 42 of the FLNB protein (p.Thr42Ala). This variant is not present in population databases (gnomAD no frequency). This variant has not been reported in the literature in individuals affected with FLNB-related conditions. ClinVar contains an entry for this variant (Variation ID: 2001794). Invitae Evidence Modeling of protein sequence and biophysical properties (such as structural, functional, and spatial information, amino acid conservation, physicochemical variation, residue mobility, and thermodynamic stability) indicates that this missense variant is not expected to disrupt FLNB protein function with a negative predictive value of 95%. In summary, the available evidence is currently insufficient to determine the role of this variant in disease. Therefore, it has been classified as a Variant of Uncertain Significance.